The following is an entry in ClinVar:

ClinVar aggregate classification (germline): Uncertain significance (1 of 4 stars; one submission).

Submission:

GeneDx
Classification: Uncertain significance. Last evaluated: 2024-07-11. Review status: criteria provided, single submitter. Criteria: GeneDx Variant Classification Process June 2021. Collection method: clinical testing. Allele origin: germline. Affected: yes.
Comment: Not observed at significant frequency in large population cohorts (gnomAD); In silico analysis indicates that this missense variant does not alter protein structure/function; Has not been previously published as pathogenic or benign to our knowledge

NM_001013838.3(CARMIL2):c.3524A>T (p.Tyr1175Phe)

Gene: CARMIL2 (capping protein regulator and myosin 1 linker 2; plus strand). Cytogenetic location: 16q22.1.
Variant type: single nucleotide variant.
Coding change: c.3524A>T on transcript NM_001013838.3 (MANE Select); coding-DNA position 3524, A replaced by T.
Protein change: p.Tyr1175Phe; replaces tyrosine 1175 with phenylalanine.
Molecular consequence: missense variant.
Genome position (GRCh38, 1-based): chr16:67,654,634, A>T. VCF-style: chr16-67654634-A-T. GRCh37 (hg19) VCF-style: chr16-67688537-A-T.
Other names: c.3416A>T, p.Tyr1139Phe (NM_001317026.3); short protein forms Y1139F, Y1175F.
Identifiers: ClinVar variation 3572718 (VCV003572718.1).